The following is an entry in ClinVar:

ClinVar aggregate classification (germline): Conflicting classifications of pathogenicity. Review status: criteria provided, conflicting classifications (1 of 4 stars). 2 submissions from 2 submitters: Uncertain significance (1); Likely benign (1). Last evaluated 2021-09-15.

Conditions:
Koolen-de Vries syndrome (KDVS). Identifiers: Orphanet 96169, MedGen C1864871, MONDO:0012496, OMIM 610443.

Allele frequency attached by ClinVar (database versions not stated): gnomAD 0.00007 and 0.00005; 1000 Genomes Project 30x 0.00047; gnomAD exomes 0.00003; ExAC 0.00005; 1000 Genomes Project 0.00060.

Submissions (2):

Labcorp Genetics (formerly Invitae), Labcorp
Classification: Uncertain significance for Koolen-de Vries syndrome. Last evaluated: 2021-09-15. Review status: criteria provided, single submitter. Criteria: Invitae Variant Classification Sherloc (09022015). Collection method: clinical testing. Allele origin: germline.
Comment: Due to the possible presence of a polymorphic segmental duplication, the location of the variant could not be unambiguously resolved. Variants with ambiguous mapping are still reported relative to the KANSL1 transcript. This sequence change replaces arginine with histidine at codon 299 of the KANSL1 or 17q21.31 segmental duplication protein (p.Arg299His). The arginine residue is highly conserved and there is a small physicochemical difference between arginine and histidine. The frequency data for this variant in the population databases (ExAC) is considered unreliable due to the presence of homologous sequence, such as pseudogenes or paralogs, in the genome. This variant has not been reported in the literature in individuals with KANSL1-related conditions. ClinVar contains an entry for this variant (Variation ID: 509820). Algorithms developed to predict the effect of missense changes on protein structure and function are either unavailable or do not agree on the potential impact of this missense change (SIFT: "Deleterious"; PolyPhen-2: "Probably Damaging"; Align-GVGD: "Class C0"). Until the location of this sequence change can be resolved, the clinical significance of this variant remains uncertain. It has been classified as a Variant of Uncertain Significance.

GeneDx
Classification: Likely benign. Last evaluated: 2017-06-01. Review status: criteria provided, single submitter. Criteria: GeneDx Variant Classification (06012015). Collection method: clinical testing. Allele origin: germline. Affected: yes.
Comment: This variant is considered likely benign or benign based on one or more of the following criteria: it is a conservative change, it occurs at a poorly conserved position in the protein, it is predicted to be benign by multiple in silico algorithms, and/or has population frequency not consistent with disease.

NM_015443.4(KANSL1):c.896G>A (p.Arg299His)

Gene: KANSL1 (KAT8 regulatory NSL complex subunit 1). Cytogenetic location: 17q21.31.
Variant type: single nucleotide variant.
Coding change: c.896G>A on transcript NM_015443.4 (MANE Select); coding-DNA position 896, G replaced by A.
Protein change: p.Arg299His; replaces arginine 299 with histidine.
Molecular consequence: missense variant.
Genome position (GRCh38, 1-based): chr17:46,171,248, C>T on the plus strand (G>A on the coding strand, the complement: KANSL1 is on the minus strand). VCF-style: chr17-46171248-C-T. GRCh37 (hg19) VCF-style: chr17-44248614-C-T.
Other names: c.896G>A, p.Arg299His (NM_001193465.2, NM_001193466.2, NM_001379198.1); short protein forms R299H.
Identifiers: ClinVar variation 509820 (VCV000509820.3), dbSNP rs201785695, ClinGen allele CA8618927.